The following is an entry in ClinVar:

NM_000548.5(TSC2):c.5049G>A (p.Val1683=)

Gene: TSC2 (TSC complex subunit 2; plus strand). Cytogenetic location: 16p13.3.
Variant type: single nucleotide variant.
Coding change: c.5049G>A on transcript NM_000548.5 (MANE Select); coding-DNA position 5049, G replaced by A.
Protein change: p.Val1683=; no amino-acid change (valine 1683 retained).
Molecular consequence: synonymous variant.
Genome position (GRCh38, 1-based): chr16:2,087,922, G>A. VCF-style: chr16-2087922-G-A. GRCh37 (hg19) VCF-style: chr16-2137923-G-A.
Other names: c.4848G>A, p.Val1616= (NM_001077183.3); c.4980G>A, p.Val1660= (NM_001114382.3); c.4740G>A, p.Val1580= (NM_001318827.2); c.4704G>A, p.Val1568= (NM_001318829.2); c.4317G>A, p.Val1439= (NM_001318831.2); c.4881G>A, p.Val1627= (NM_001318832.2); c.4851G>A, p.Val1617= (NM_001363528.2); c.4917G>A, p.Val1639= (NM_001370404.1); and 1 more.
Identifiers: ClinVar variation 792541 (VCV000792541.18), dbSNP rs1256890176, ClinGen allele CA493043618.
Genomic context (GRCh38, chr16:2,087,922, plus strand): 5'-GGGCCAGTTCAACTTTGTCCACGTGATCGTCACCCCGCTGGACTACGAGTGCAACCTGGT[G>A]TCCCTGCAGTGCAGGAAAGGTAGGGCCGGGTGGGGCCCTGCAGTGCAGGAAAGGTAGGGC-3'
Protein context (NP_000539.2, residues 1673-1693): VTPLDYECNL[Val1683=]SLQCRKDMEG

ClinVar aggregate classification (germline): Benign/Likely benign. Review status: criteria provided, multiple submitters, no conflicts (2 of 4 stars). 4 submissions from 4 submitters: Benign (2); Likely benign (2). Last evaluated 2025-06-05.

Conditions:
Tuberous sclerosis 2 (TSC2). Identifiers: Orphanet 805, MedGen C1860707, MONDO:0013199, OMIM 613254.
Hereditary cancer-predisposing syndrome. Also called: Neoplastic Syndromes, Hereditary; Hereditary neoplastic syndrome; Tumor predisposition; Hereditary Cancer Syndrome. Identifiers: Orphanet 140162, MedGen C0027672, MeSH D009386, MONDO:0015356.

Submissions (4):

Myriad Genetics, Inc.
Classification: Benign for Tuberous sclerosis 2. Last evaluated: 2025-06-05. Review status: criteria provided, single submitter. Criteria: Myriad Autosomal Dominant, Autosomal Recessive and X-Linked Classification Criteria (2023). Collection method: clinical testing. Allele origin: unknown.
Comment: This variant is considered benign. This variant is a silent/synonymous amino acid change and it is not expected to impact splicing.

Labcorp Genetics (formerly Invitae), Labcorp
Classification: Likely benign for Tuberous sclerosis 2. Last evaluated: 2022-05-21. Review status: criteria provided, single submitter. Criteria: Invitae Variant Classification Sherloc (09022015). Collection method: clinical testing. Allele origin: germline.

Genome-Nilou Lab
Classification: Benign for Tuberous sclerosis 2. Last evaluated: 2021-11-07. Review status: criteria provided, single submitter. Criteria: ACMG Guidelines, 2015. Collection method: clinical testing. Allele origin: germline. Affected: no.

Ambry Genetics
Classification: Likely benign for Hereditary cancer-predisposing syndrome. Last evaluated: 2019-06-27. Review status: criteria provided, single submitter. Criteria: Ambry Variant Classification Scheme 2023. Collection method: clinical testing. Allele origin: germline.